The following is an entry in ClinVar:

ClinVar aggregate classification (germline): Uncertain significance (1 of 4 stars; one submission).

Conditions:
Familial thoracic aortic aneurysm and aortic dissection (TAAD). Also called: Thoracic aortic aneurysms and dissections. Identifiers: Orphanet 91387, MedGen C4707243, MONDO:0019625.
Hereditary cancer-predisposing syndrome. Also called: Neoplastic Syndromes, Hereditary; Hereditary Cancer Syndrome; Tumor predisposition; Hereditary neoplastic syndrome. Identifiers: Orphanet 140162, MedGen C0027672, MeSH D009386, MONDO:0015356.

Submission:

Ambry Genetics
Classification: Uncertain significance for Hereditary cancer-predisposing syndrome; Familial thoracic aortic aneurysm and aortic dissection. Last evaluated: 2025-02-16. Review status: criteria provided, single submitter. Criteria: Ambry Variant Classification Scheme 2023. Collection method: clinical testing. Allele origin: germline.
Comment: The p.P298A variant (also known as c.892C>G), located in coding exon 6 of the SMAD4 gene, results from a C to G substitution at nucleotide position 892. The proline at codon 298 is replaced by alanine, an amino acid with highly similar properties. This amino acid position is conserved. In addition, the in silico prediction for this alteration is inconclusive. Based on the available evidence, the clinical significance of this variant remains unclear.

NM_005359.6(SMAD4):c.892C>G (p.Pro298Ala)

Gene: SMAD4 (SMAD family member 4; plus strand). Cytogenetic location: 18q21.2.
Variant type: single nucleotide variant.
Coding change: c.892C>G on transcript NM_005359.6 (MANE Select); coding-DNA position 892, C replaced by G.
Protein change: p.Pro298Ala; replaces proline 298 with alanine.
Molecular consequence: missense variant. On other transcripts: non-coding transcript variant (2).
Genome position (GRCh38, 1-based): chr18:51,058,444, C>G. VCF-style: chr18-51058444-C-G. GRCh37 (hg19) VCF-style: chr18-48584814-C-G.
Other names: c.892C>G, p.Pro298Ala (NM_001407041.1, NM_001407042.1, NM_001407043.1); short protein forms P298A.
Identifiers: ClinVar variation 3798816 (VCV003798816.1).